The following is an entry in ClinVar:

ClinVar aggregate classification (germline): Uncertain significance (1 of 4 stars; one submission).

Allele frequency attached by ClinVar (database versions not stated): gnomAD exomes below 0.00001; ExAC 0.00001; gnomAD 0.00005; TOPMed 0.00005; ESP Exome Variant Server 0.00008.
gnomAD v4.1: 14 of 1,613,944 alleles (0.00087%); highest among the groups gnomAD compares: African/African-American, 0.017%; no homozygotes.

Submission:

Labcorp Genetics (formerly Invitae), Labcorp
Classification: Uncertain significance. Last evaluated: 2021-08-27. Review status: criteria provided, single submitter. Criteria: Invitae Variant Classification Sherloc (09022015). Collection method: clinical testing. Allele origin: germline.
Comment: This sequence change replaces glutamine with arginine at codon 492 of the SPART protein (p.Gln492Arg). The glutamine residue is highly conserved and there is a small physicochemical difference between glutamine and arginine. This variant is present in population databases (rs371082435, ExAC 0.01%). This variant has not been reported in the literature in individuals affected with SPART-related conditions. Algorithms developed to predict the effect of missense changes on protein structure and function (SIFT, PolyPhen-2, Align-GVGD) all suggest that this variant is likely to be tolerated. In summary, the available evidence is currently insufficient to determine the role of this variant in disease. Therefore, it has been classified as a Variant of Uncertain Significance.

NM_015087.5(SPART):c.1475A>G (p.Gln492Arg)

Gene: SPART (spartin; minus strand). Cytogenetic location: 13q13.3.
Variant type: single nucleotide variant.
Coding change: c.1475A>G on transcript NM_015087.5 (MANE Select); coding-DNA position 1475, A replaced by G.
Protein change: p.Gln492Arg; replaces glutamine 492 with arginine.
Molecular consequence: missense variant.
Genome position (GRCh38, 1-based): chr13:36,314,235, T>C on the plus strand (A>G on the coding strand, the complement: SPART is on the minus strand). VCF-style: chr13-36314235-T-C. GRCh37 (hg19) VCF-style: chr13-36888372-T-C.
Other names: c.1475A>G, p.Gln492Arg (NM_001142294.2, NM_001142295.2, NM_001142296.2); short protein forms Q492R.
Identifiers: ClinVar variation 1378696 (VCV001378696.5), dbSNP rs371082435, ClinGen allele CA6949385.
Genomic context (GRCh38, chr13:36,314,235, plus strand): 5'-ACATTATTTTAAATATAACTTTAAAAAGTAAAGTTATCTAGAATTACTTTACCCAGGAAC[T>C]GACTGACTTTTGCTGCTCCTCCTGTAGCTTGCTTCGCTATATAAAGTCCCTTGGTGACAG-3'
Protein context (NP_055902.1, residues 482-502): QATGGAAKVS[Gln492Arg]FLVDGVCTVA